The following is an entry in ClinVar:

ClinVar aggregate classification (germline): Uncertain significance. Review status: criteria provided, multiple submitters, no conflicts (2 of 4 stars). 3 submissions from 3 submitters: Uncertain significance (3). Last evaluated 2025-09-22.

Conditions:
Inborn genetic diseases. Identifiers: MedGen C0950123, MeSH D030342.

Allele frequency attached by ClinVar (database versions not stated): TOPMed below 0.00001; gnomAD exomes 0.00001 and 0.00002; ExAC 0.00005; gnomAD 0.00005; 1000 Genomes Project 30x 0.00094; 1000 Genomes Project 0.00120.

Submissions (3):

Ambry Genetics
Classification: Uncertain significance for Inborn genetic diseases. Last evaluated: 2025-09-22. Review status: criteria provided, single submitter. Criteria: Ambry Variant Classification Scheme 2023. Collection method: clinical testing. Allele origin: germline.

Labcorp Genetics (formerly Invitae), Labcorp
Classification: Uncertain significance. Last evaluated: 2022-11-22. Review status: criteria provided, single submitter. Criteria: Invitae Variant Classification Sherloc (09022015). Collection method: clinical testing. Allele origin: germline.
Comment: ClinVar contains an entry for this variant (Variation ID: 1036108). In summary, the available evidence is currently insufficient to determine the role of this variant in disease. Therefore, it has been classified as a Variant of Uncertain Significance. Advanced modeling of protein sequence and biophysical properties (such as structural, functional, and spatial information, amino acid conservation, physicochemical variation, residue mobility, and thermodynamic stability) performed at Invitae indicates that this missense variant is not expected to disrupt KCNV2 protein function. This variant has not been reported in the literature in individuals affected with KCNV2-related conditions. This variant is present in population databases (rs557493684, gnomAD 0.02%). This sequence change replaces alanine, which is neutral and non-polar, with valine, which is neutral and non-polar, at codon 524 of the KCNV2 protein (p.Ala524Val).

Blueprint Genetics
Classification: Uncertain significance. Last evaluated: 2022-04-25. Review status: criteria provided, single submitter. Criteria: ACMG Guidelines, 2015. Collection method: clinical testing. Allele origin: germline.

NM_133497.4(KCNV2):c.1571C>T (p.Ala524Val)

Gene: KCNV2 (potassium voltage-gated channel modifier subfamily V member 2; plus strand). Cytogenetic location: 9p24.2.
Variant type: single nucleotide variant.
Coding change: c.1571C>T on transcript NM_133497.4 (MANE Select); coding-DNA position 1571, C replaced by T.
Protein change: p.Ala524Val; replaces alanine 524 with valine.
Molecular consequence: missense variant.
Genome position (GRCh38, 1-based): chr9:2,729,660, C>T. VCF-style: chr9-2729660-C-T. GRCh37 (hg19) VCF-style: chr9-2729660-C-T.
Other names: c.1571C>T (NM_133497.3); short protein forms A524V.
Identifiers: ClinVar variation 1036108 (VCV001036108.8), dbSNP rs557493684, ClinGen allele CA4965943.